The following is an entry in ClinVar:

ClinVar aggregate classification (germline): Conflicting classifications of pathogenicity. Review status: criteria provided, conflicting classifications (1 of 4 stars). 8 submissions from 8 submitters: Uncertain significance (1); Benign (1); Likely benign (5). 1 of the submissions does not count toward it. Last evaluated 2026-02-13.

Conditions:
WAS-related disorder. Also called: WAS-related condition; WAS-Related Disorders. Identifiers: MedGen CN381538.
X-linked severe congenital neutropenia (SCNX). Identifiers: Orphanet 86788, MedGen C1845987, MONDO:0010294, OMIM 300299.
Thrombocytopenia 1. Also called: X-linked thrombocytopenia with normal platelets; THROMBOCYTOPENIA, X-LINKED, 1; X-Linked Thrombocytopenia (XLT). Identifiers: Orphanet 268322, Orphanet 852, MedGen C1839163, MONDO:0010743, OMIM 313900.
Wiskott-Aldrich syndrome (WAS). Also called: ALDRICH SYNDROME; IMMUNODEFICIENCY 2; Wiskott-aldrich syndrome, somatic; WISKOTT-ALDRICH SYNDROME 1. Identifiers: Orphanet 906, MedGen C0043194, MONDO:0010518, OMIM 301000.

Allele frequency attached by ClinVar (database versions not stated): 1000 Genomes Project 30x 0.00021; 1000 Genomes Project 0.00026; gnomAD exomes 0.00045 and 0.00072; gnomAD 0.00062 and 0.00073; ExAC 0.00067; TOPMed 0.00075; ESP Exome Variant Server 0.00085.
gnomAD v4.1: 849 of 1,182,649 alleles (0.072%); highest among the groups gnomAD compares: Non-Finnish European, 0.086%; no homozygotes.

Submissions (8):

Women's Health and Genetics/Laboratory Corporation of America, LabCorp
Classification: Likely benign. Last evaluated: 2026-02-13. Review status: criteria provided, single submitter. Criteria: LabCorp Variant Classification Summary - May 2015. Collection method: clinical testing. Allele origin: germline.
Comment: Variant summary: WAS c.413G>A (p.Arg138Gln) results in a conservative amino acid change in the encoded protein sequence. Algorithms developed to predict the effect of missense changes on protein structure and function are either unavailable or do not agree on the potential impact of this missense change. The variant allele was found at a frequency of 0.00045 in 135281 control chromosomes including 21 hemizygotes. To our knowledge, no occurrence of c.413G>A in individuals affected with WAS-related conditions and no experimental evidence demonstrating its impact on protein function have been reported. ClinVar contains an entry for this variant (Variation ID: 135414). Based on the evidence outlined above, the variant was classified as likely benign.

Labcorp Genetics (formerly Invitae), Labcorp
Classification: Benign for Wiskott-Aldrich syndrome; X-linked severe congenital neutropenia; Thrombocytopenia 1. Last evaluated: 2026-01-28. Review status: criteria provided, single submitter. Criteria: Invitae Variant Classification Sherloc (09022015). Collection method: clinical testing. Allele origin: germline.

PreventionGenetics, part of Exact Sciences
Classification: Likely benign for WAS-related condition. Last evaluated: 2025-09-30. Review status: criteria provided, single submitter. Criteria: ACMG Guidelines, 2015. Collection method: clinical testing. Allele origin: germline.
Comment: This variant is classified as likely benign based on ACMG/AMP sequence variant interpretation guidelines (Richards et al. 2015 PMID: 25741868, with internal and published modifications).

Mayo Clinic Laboratories, Mayo Clinic
Classification: Likely benign. Last evaluated: 2025-09-15. Review status: criteria provided, single submitter. Criteria: ACMG Guidelines, 2015. Collection method: clinical testing. Allele origin: germline. Observed: 3 variant alleles.
Comment: BS2

Blueprint Genetics
Classification: Likely benign. Last evaluated: 2024-11-26. Review status: criteria provided, single submitter. Criteria: ACMG Guidelines, 2015. Collection method: clinical testing. Allele origin: germline.

CeGaT Center for Human Genetics Tuebingen
Classification: Likely benign. Last evaluated: 2023-02-01. Review status: criteria provided, single submitter. Criteria: CeGaT Center For Human Genetics Tuebingen Variant Classification Criteria Version 2. Collection method: clinical testing. Allele origin: germline. Affected: yes. Observed: 1 variant allele.
Comment: WAS: BS2

St. Jude Molecular Pathology, St. Jude Children's Research Hospital
Classification: Uncertain significance for Wiskott-Aldrich syndrome. Last evaluated: 2020-08-19. Review status: criteria provided, single submitter. Criteria: St. Jude Assertion Criteria 2020. Collection method: clinical testing. Allele origin: germline.

ITMI
No classification provided. Condition: AllHighlyPenetrant. Last evaluated: 2013-09-19. Review status: no classification provided. Collection method: reference population. Allele origin: germline. Not counted in ClinVar's aggregate classification.
Comment: Please see associated publication for description of ethnicities

Literature cited by the submitters: PubMed 37221654 (cited by Mayo Clinic Laboratories, Mayo Clinic); PubMed 24728327 (cited by ITMI).

NM_000377.3(WAS):c.413G>A (p.Arg138Gln)

Gene: WAS (WASP actin nucleation promoting factor; plus strand). Cytogenetic location: Xp11.23.
Variant type: single nucleotide variant.
Coding change: c.413G>A on transcript NM_000377.3 (MANE Select); coding-DNA position 413, G replaced by A.
Protein change: p.Arg138Gln; replaces arginine 138 with glutamine.
Molecular consequence: missense variant.
Genome position (GRCh38, 1-based): chrX:48,685,786, G>A. VCF-style: chrX-48685786-G-A. GRCh37 (hg19) VCF-style: chrX-48544175-G-A.
Other names: p.Arg138Gln; short protein forms R138Q.
Identifiers: ClinVar variation 135414 (VCV000135414.41), dbSNP rs139265251, ClinGen allele CA162686.